The following is an entry in ClinVar:

NM_001042492.3(NF1):c.2167G>A (p.Val723Met)

Gene: NF1 (neurofibromin 1; plus strand). Cytogenetic location: 17q11.2.
Variant type: single nucleotide variant.
Coding change: c.2167G>A on transcript NM_001042492.3 (MANE Select); coding-DNA position 2167, G replaced by A.
Protein change: p.Val723Met; replaces valine 723 with methionine.
Molecular consequence: missense variant.
Genome position (GRCh38, 1-based): chr17:31,226,600, G>A. VCF-style: chr17-31226600-G-A. GRCh37 (hg19) VCF-style: chr17-29553618-G-A.
Other names: c.2167G>A, p.Val723Met (NM_000267.4); short protein forms V723M.
Identifiers: ClinVar variation 1497762 (VCV001497762.8), dbSNP rs2151425958, ClinGen allele CA398982404.

ClinVar aggregate classification (germline): Uncertain significance (1 of 4 stars; one submission).

Conditions:
Neurofibromatosis, type 1 (NF1). Also called: VON RECKLINGHAUSEN DISEASE; NEUROFIBROMATOSIS, TYPE I, SOMATIC; Peripheral type neurofibromatosis; Neurofibromatosis, type I. Identifiers: Orphanet 636, MedGen C0027831, MONDO:0018975, OMIM 162200. Disease mechanism: loss of function.

Submission:

Labcorp Genetics (formerly Invitae), Labcorp
Classification: Uncertain significance for Neurofibromatosis, type 1. Last evaluated: 2024-04-23. Review status: criteria provided, single submitter. Criteria: Invitae Variant Classification Sherloc (09022015). Collection method: clinical testing. Allele origin: germline.
Comment: This sequence change replaces valine, which is neutral and non-polar, with methionine, which is neutral and non-polar, at codon 723 of the NF1 protein (p.Val723Met). This variant is not present in population databases (gnomAD no frequency). This variant has not been reported in the literature in individuals affected with NF1-related conditions. ClinVar contains an entry for this variant (Variation ID: 1497762). Advanced modeling of protein sequence and biophysical properties (such as structural, functional, and spatial information, amino acid conservation, physicochemical variation, residue mobility, and thermodynamic stability) performed at Invitae indicates that this missense variant is not expected to disrupt NF1 protein function with a negative predictive value of 95%. In summary, the available evidence is currently insufficient to determine the role of this variant in disease. Therefore, it has been classified as a Variant of Uncertain Significance.